The following is an entry in ClinVar:

NM_152296.5(ATP1A3):c.886TTC[1] (p.Phe297del)

Gene: ATP1A3 (ATPase Na+/K+ transporting subunit alpha 3; minus strand). Cytogenetic location: 19q13.2.
Variant type: Microsatellite.
Coding change: c.886TTC[1] on transcript NM_152296.5 (MANE Select); one copy of the 3-base unit TTC starting at c.886; the reference has two copies in a row; one copy, 3 bases deleted.
Protein change: p.Phe297del; deletes phenylalanine 297.
Molecular consequence: inframe deletion.
Genome position (GRCh38, 1-based): chr19:41,985,020-41,985,022, GAA deleted on the plus strand (TTC on the coding strand, the reverse complement: ATP1A3 is on the minus strand); deleting any 3 consecutive bases within chr19:41,985,020-41,985,026 gives the same sequence; the position shown is the placement nearest the transcript's 3' end. VCF-style (leftmost placement, unchanged base first): chr19-41985019-TGAA-T. GRCh37 (hg19) VCF-style: chr19-42489171-TGAA-T.
Other names: c.919TTC[1], p.Phe308del (NM_001256213.2); c.925TTC[1], p.Phe310del (NM_001256214.2); short protein forms F297del, F308del, F310del.
Identifiers: ClinVar variation 468608 (VCV000468608.8), dbSNP rs1555864827, ClinGen allele CA658658818.

ClinVar aggregate classification (germline): Uncertain significance (1 of 4 stars; one submission).

Conditions:
Dystonia 12 (DYT12). Also called: DYT-ATP1A3; Rapid-Onset Dystonia-Parkinsonism (RDP). Identifiers: Orphanet 71517, MedGen C1868681, MONDO:0007496, OMIM 128235.

Submission:

Labcorp Genetics (formerly Invitae), Labcorp
Classification: Uncertain significance for Dystonia 12. Last evaluated: 2017-06-05. Review status: criteria provided, single submitter. Criteria: Invitae Variant Classification Sherloc (09022015). Collection method: clinical testing. Allele origin: germline.
Comment: This variant, c.889_891delTTC, results in the deletion of 1 amino acid(s) of the ATP1A3 protein (p.Phe297del), but otherwise preserves the integrity of the reading frame. This variant is not present in population databases (ExAC no frequency). This variant has not been reported in the literature in individuals with an ATP1A3-related disease. In summary, this variant has uncertain impact on ATP1A3 function. The available evidence is currently insufficient to determine its role in disease. Therefore, it has been classified as a Variant of Uncertain Significance. Experimental studies and prediction algorithms are not available for this variant, and the functional significance of the deleted amino acid is currently unknown.